The following is an entry in ClinVar:

ClinVar aggregate classification (germline): Uncertain significance (1 of 4 stars; one submission).

Conditions:
Emery-Dreifuss muscular dystrophy 5, autosomal dominant (EDMD5). Also called: EMERY-DREIFUSS MUSCULAR DYSTROPHY 5. Identifiers: Orphanet 261, MedGen C2751805, MONDO:0013072, OMIM 612999.

Submission:

Labcorp Genetics (formerly Invitae), Labcorp
Classification: Uncertain significance for Emery-Dreifuss muscular dystrophy 5, autosomal dominant. Last evaluated: 2023-02-08. Review status: criteria provided, single submitter. Criteria: Invitae Variant Classification Sherloc (09022015). Collection method: clinical testing. Allele origin: germline.
Comment: This variant has not been reported in the literature in individuals affected with SYNE2-related conditions. This variant is not present in population databases (gnomAD no frequency). This sequence change replaces serine, which is neutral and polar, with arginine, which is basic and polar, at codon 5201 of the SYNE2 protein (p.Ser5201Arg). In summary, the available evidence is currently insufficient to determine the role of this variant in disease. Therefore, it has been classified as a Variant of Uncertain Significance. Algorithms developed to predict the effect of missense changes on protein structure and function are either unavailable or do not agree on the potential impact of this missense change (SIFT: "Tolerated"; PolyPhen-2: "Possibly Damaging"; Align-GVGD: "Class C0").

NM_182914.3(SYNE2):c.15603T>G (p.Ser5201Arg)

Gene: SYNE2 (spectrin repeat containing nuclear envelope protein 2; plus strand). Cytogenetic location: 14q23.2.
Variant type: single nucleotide variant.
Coding change: c.15603T>G on transcript NM_182914.3 (MANE Select); coding-DNA position 15603, T replaced by G.
Protein change: p.Ser5201Arg; replaces serine 5201 with arginine.
Molecular consequence: missense variant.
Genome position (GRCh38, 1-based): chr14:64,146,187, T>G. VCF-style: chr14-64146187-T-G. GRCh37 (hg19) VCF-style: chr14-64612905-T-G.
Other names: c.15603T>G, p.Ser5201Arg (NM_015180.6); short protein forms S5201R.
Identifiers: ClinVar variation 2833325 (VCV002833325.3), dbSNP rs2549417001, ClinGen allele CA389947468.